The following is an entry in ClinVar:

ClinVar aggregate classification (germline): Benign/Likely benign. Review status: criteria provided, multiple submitters, no conflicts (2 of 4 stars). 6 submissions from 6 submitters: Benign (1); Likely benign (4). 1 of the submissions does not count toward it. Last evaluated 2025-12-01.

Conditions:
ARID1B-Related Disorder. Identifiers: MedGen CN381337.
Inborn genetic diseases. Identifiers: MedGen C0950123, MeSH D030342.

Allele frequency attached by ClinVar (database versions not stated): TOPMed 0.00011; ExAC 0.00012; gnomAD 0.00006 and 0.00007; gnomAD exomes 0.00007; ESP Exome Variant Server 0.00008.
gnomAD v4.1: 92 of 1,610,870 alleles (0.0057%); highest among the groups gnomAD compares: Admixed American, 0.025%; no homozygotes.

Submissions (6):

CeGaT Center for Human Genetics Tuebingen
Classification: Likely benign. Last evaluated: 2025-12-01. Review status: criteria provided, single submitter. Criteria: CeGaT Center For Human Genetics Tuebingen Variant Classification Criteria Version 2. Collection method: clinical testing. Allele origin: germline. Affected: yes. Observed: 3 variant alleles.
Comment: ARID1B: BP4, BP7

Labcorp Genetics (formerly Invitae), Labcorp
Classification: Benign. Last evaluated: 2025-11-01. Review status: criteria provided, single submitter. Criteria: Invitae Variant Classification Sherloc (09022015). Collection method: clinical testing. Allele origin: germline.

Blueprint Genetics
Classification: Likely benign. Last evaluated: 2024-09-17. Review status: criteria provided, single submitter. Criteria: ACMG Guidelines, 2015. Collection method: clinical testing. Allele origin: germline.

GeneDx
Classification: Likely benign. Last evaluated: 2020-11-24. Review status: criteria provided, single submitter. Criteria: GeneDx Variant Classification Process June 2021. Collection method: clinical testing. Allele origin: germline. Affected: yes.

Ambry Genetics
Classification: Likely benign for Inborn genetic diseases. Last evaluated: 2017-01-04. Review status: criteria provided, single submitter. Criteria: Ambry Variant Classification Scheme 2023. Collection method: clinical testing. Allele origin: germline.

PreventionGenetics, part of Exact Sciences
Classification: Likely benign for ARID1B-related condition. Last evaluated: 2024-02-13. Review status: no assertion criteria provided. Collection method: clinical testing. Allele origin: germline. Not counted in ClinVar's aggregate classification.
Comment: This variant is classified as likely benign based on ACMG/AMP sequence variant interpretation guidelines (Richards et al. 2015 PMID: 25741868, with internal and published modifications).

NM_001374828.1(ARID1B):c.4440G>A (p.Pro1480=)

Gene: ARID1B (AT-rich interaction domain 1B; plus strand). Cytogenetic location: 6q25.3.
Variant type: single nucleotide variant.
Coding change: c.4440G>A on transcript NM_001374828.1 (MANE Select); coding-DNA position 4440, G replaced by A.
Protein change: p.Pro1480=; no amino-acid change (proline 1480 retained).
Molecular consequence: synonymous variant.
Genome position (GRCh38, 1-based): chr6:157,198,868, G>A. VCF-style: chr6-157198868-G-A. GRCh37 (hg19) VCF-style: chr6-157520002-G-A.
Other names: c.1941G>A, p.Pro647= (NM_001363725.2); c.4320G>A, p.Pro1440= (NM_001371656.1, NM_001374820.1); c.4281G>A, p.Pro1427= (NM_017519.3); c.4071G>A, p.Pro1357= (NM_020732.3).
Identifiers: ClinVar variation 589727 (VCV000589727.28), dbSNP rs374835455, ClinGen allele CA4067626.